The following is an entry in ClinVar:

NM_000719.7(CACNA1C):c.4694T>C (p.Leu1565Pro)

Genes: CACNA1C (calcium voltage-gated channel subunit alpha1 C; plus strand), CACNA1C-AS2 (CACNA1C antisense RNA 2; minus strand). Cytogenetic location: 12p13.33.
Variant type: single nucleotide variant.
Coding change: c.4694T>C on transcript NM_000719.7 (MANE Select); coding-DNA position 4694, T replaced by C.
Protein change: p.Leu1565Pro; replaces leucine 1565 with proline.
Molecular consequence: missense variant. On other transcripts: non-coding transcript variant (1).
Genome position (GRCh38, 1-based): chr12:2,669,003, T>C. VCF-style: chr12-2669003-T-C. GRCh37 (hg19) VCF-style: chr12-2778169-T-C.
Other names: c.4694T>C, p.Leu1565Pro (NM_001129843.2, NM_001167623.2, NM_001167624.3 and 7 more transcripts); c.4685T>C, p.Leu1562Pro (NM_001129844.2); c.4661T>C, p.Leu1554Pro (NM_001129846.2, NM_001167625.2, NM_001129837.2 and 1 more transcripts); c.4838T>C, p.Leu1613Pro (NM_199460.4, NM_001129827.2); c.4760T>C, p.Leu1587Pro (NM_001129829.2); c.4778T>C, p.Leu1593Pro (NM_001129831.2); c.4754T>C, p.Leu1585Pro (NM_001129832.2); c.4745T>C, p.Leu1582Pro (NM_001129836.2); and 1 more; short protein forms L1552P, L1554P, L1562P, L1565P, L1582P, L1585P, L1587P, L1593P.
Identifiers: ClinVar variation 4885736 (VCV004885736.2).
Genomic context (GRCh38, chr12:2,669,003, plus strand): 5'-CCATGAACATGCCTCTGAACAGCGACGGGACAGTCATGTTCAATGCCACCCTGTTTGCCC[T>C]GGTCAGGACGGCCCTGAGGATCAAAACAGAAGGTAAGGTCGCCCGTGGGCACTGGGAGAG-3'
Protein context (NP_000710.5, residues 1555-1575): TVMFNATLFA[Leu1565Pro]VRTALRIKTE

ClinVar aggregate classification (germline): Uncertain significance (1 of 4 stars; one submission).

Submission:

Dasa
Classification: Uncertain significance. Last evaluated: 2025-01-14. Review status: criteria provided, single submitter. Criteria: DASA Assertion Criteria. Collection method: clinical testing. Allele origin: germline.
Comment: NM_000719.7(CACNA1C):c.4694T>C (p.Leu1565Pro) is a missense variant that results in the substitution of leucine with proline. This variant is absent from population databases. Computational prediction algorithms are consistent with a deleterious effect. The currently available literature and clinical evidence are not sufficient to establish a definitive association between this variant and the reported condition. Therefore, this variant is classified as a variant of uncertain significance.